The following is an entry in ClinVar:

NM_000394.4(CRYAA):c.318C>A (p.Asp106Glu)

Gene: CRYAA (crystallin alpha A; plus strand). Cytogenetic location: 21q22.3.
Variant type: single nucleotide variant.
Coding change: c.318C>A on transcript NM_000394.4 (MANE Select); coding-DNA position 318, C replaced by A.
Protein change: p.Asp106Glu; replaces aspartic acid 106 with glutamic acid.
Molecular consequence: missense variant.
Genome position (GRCh38, 1-based): chr21:43,172,076, C>A. VCF-style: chr21-43172076-C-A. GRCh37 (hg19) VCF-style: chr21-44592186-C-A.
Other names: c.207C>A, p.Asp69Glu (NM_001363766.1); short protein forms D106E, D69E.
Identifiers: ClinVar variation 3638462 (VCV003638462.2).

ClinVar aggregate classification (germline): Uncertain significance (1 of 4 stars; one submission).

Conditions:
Cataract 9 multiple types. Also called: Cataract 9, multiple types, with or without microcornea; Cataract, autosomal recessive congenital 1. Identifiers: Orphanet 1377, MedGen C1858679, MONDO:0011413, OMIM 604219.

Submission:

Labcorp Genetics (formerly Invitae), Labcorp
Classification: Uncertain significance for Cataract 9 multiple types. Last evaluated: 2024-02-02. Review status: criteria provided, single submitter. Criteria: Invitae Variant Classification Sherloc (09022015). Collection method: clinical testing. Allele origin: germline.
Comment: This sequence change replaces aspartic acid, which is acidic and polar, with glutamic acid, which is acidic and polar, at codon 106 of the CRYAA protein (p.Asp106Glu). This variant is not present in population databases (gnomAD no frequency). This variant has not been reported in the literature in individuals affected with CRYAA-related conditions. An algorithm developed to predict the effect of missense changes on protein structure and function (PolyPhen-2) suggests that this variant is likely to be tolerated. In summary, the available evidence is currently insufficient to determine the role of this variant in disease. Therefore, it has been classified as a Variant of Uncertain Significance.